The following is an entry in ClinVar:

ClinVar aggregate classification (germline): Uncertain significance. Review status: criteria provided, multiple submitters, no conflicts (2 of 4 stars). 5 submissions from 5 submitters: Uncertain significance (5). Last evaluated 2026-08-11.

Conditions:
POMGNT2-related disorder. Also called: POMGNT2-related condition.
Inborn genetic diseases. Identifiers: MedGen C0950123, MeSH D030342.
Muscular dystrophy-dystroglycanopathy (congenital with brain and eye anomalies), type a, 8 (MDDGA8). Also called: WALKER-WARBURG SYNDROME OR MUSCLE-EYE-BRAIN DISEASE, GTDC2-RELATED. Identifiers: Orphanet 899, MedGen C3553813, MONDO:0013904, OMIM 614830.

Allele frequency attached by ClinVar (database versions not stated): ExAC 0.00004; gnomAD exomes 0.00004; TOPMed 0.00011; gnomAD 0.00013 and 0.00014; ESP Exome Variant Server 0.00015.
gnomAD v4.1: 79 of 1,613,906 alleles (0.0049%); highest among the groups gnomAD compares: Middle Eastern, 0.066%; no homozygotes.

Submissions (5):

PreventionGenetics, part of Exact Sciences
Classification: Uncertain significance for POMGNT2-related condition. Last evaluated: 2026-08-11. Review status: criteria provided, single submitter. Criteria: ACMG Guidelines, 2015. Collection method: clinical testing. Allele origin: germline.
Comment: The POMGNT2 c.650G>A variant is predicted to result in the amino acid substitution p.Arg217Gln. To our knowledge, this variant has not been reported in the literature. This variant is reported in 0.036% of alleles in individuals of African descent in gnomAD. At this time, the clinical significance of this variant is uncertain due to the absence of conclusive functional and genetic evidence.

GeneDx
Classification: Uncertain significance. Last evaluated: 2025-07-24. Review status: criteria provided, single submitter. Criteria: GeneDx Variant Classification Process June 2021. Collection method: clinical testing. Allele origin: germline. Affected: yes.
Comment: In silico analysis suggests that this missense variant does not alter protein structure/function; Has not been previously published as pathogenic or benign to our knowledge

Revvity Omics, Revvity
Classification: Uncertain significance. Last evaluated: 2025-04-01. Review status: criteria provided, single submitter. Criteria: ACMG Guidelines, 2015. Collection method: clinical testing. Allele origin: germline.

Ambry Genetics
Classification: Uncertain significance for Inborn genetic diseases. Last evaluated: 2024-09-24. Review status: criteria provided, single submitter. Criteria: Ambry Variant Classification Scheme 2023. Collection method: clinical testing. Allele origin: germline.

Labcorp Genetics (formerly Invitae), Labcorp
Classification: Uncertain significance for Muscular dystrophy-dystroglycanopathy (congenital with brain and eye anomalies), type a, 8. Last evaluated: 2024-01-19. Review status: criteria provided, single submitter. Criteria: Invitae Variant Classification Sherloc (09022015). Collection method: clinical testing. Allele origin: germline.
Comment: This sequence change replaces arginine, which is basic and polar, with glutamine, which is neutral and polar, at codon 217 of the POMGNT2 protein (p.Arg217Gln). This variant is present in population databases (rs368280765, gnomAD 0.04%). This variant has not been reported in the literature in individuals affected with POMGNT2-related conditions. ClinVar contains an entry for this variant (Variation ID: 449180). Advanced modeling of protein sequence and biophysical properties (such as structural, functional, and spatial information, amino acid conservation, physicochemical variation, residue mobility, and thermodynamic stability) performed at Invitae indicates that this missense variant is not expected to disrupt POMGNT2 protein function with a negative predictive value of 80%. In summary, the available evidence is currently insufficient to determine the role of this variant in disease. Therefore, it has been classified as a Variant of Uncertain Significance.

NM_032806.6(POMGNT2):c.650G>A (p.Arg217Gln)

Gene: POMGNT2 (protein O-linked mannose N-acetylglucosaminyltransferase 2 (beta 1,4-); minus strand). Cytogenetic location: 3p22.1.
Variant type: single nucleotide variant.
Coding change: c.650G>A on transcript NM_032806.6 (MANE Select); coding-DNA position 650, G replaced by A.
Protein change: p.Arg217Gln; replaces arginine 217 with glutamine.
Molecular consequence: missense variant.
Genome position (GRCh38, 1-based): chr3:43,080,782, C>T on the plus strand (G>A on the coding strand, the complement: POMGNT2 is on the minus strand). VCF-style: chr3-43080782-C-T. GRCh37 (hg19) VCF-style: chr3-43122274-C-T.
Other names: c.650G>A (NM_032806.4); short protein forms R217Q.
Identifiers: ClinVar variation 449180 (VCV000449180.12), dbSNP rs368280765, ClinGen allele CA2340018.
Genomic context (GRCh38, chr3:43,080,782, plus strand): 5'-GAGAGGCCCACAAAAGCATGGGAGAAGCACAGCAGCCGGCCCAGGGTCTTCAGCTGTGCC[C>T]GCAGGAGAGGCTGCTTGGGGCTGAGCAGCTTGTAGAGGTCGAAGTGTGCACCCTCGCCCC-3'
Protein context (NP_116195.2, residues 207-227): KLLSPKQPLL[Arg217Gln]AQLKTLGRLL